The following is an entry in ClinVar:

NM_014141.6(CNTNAP2):c.3361G>C (p.Glu1121Gln)

Gene: CNTNAP2 (contactin associated protein 2; plus strand). Cytogenetic location: 7q36.1.
Variant type: single nucleotide variant.
Coding change: c.3361G>C on transcript NM_014141.6 (MANE Select); coding-DNA position 3361, G replaced by C.
Protein change: p.Glu1121Gln; replaces glutamic acid 1121 with glutamine.
Molecular consequence: missense variant.
Genome position (GRCh38, 1-based): chr7:148,229,759, G>C. VCF-style: chr7-148229759-G-C. GRCh37 (hg19) VCF-style: chr7-147926851-G-C.
Other names: p.E1121Q:GAG>CAG; short protein forms E1121Q.
Identifiers: ClinVar variation 205318 (VCV000205318.12), dbSNP rs572154707, ClinGen allele CA314269.

ClinVar aggregate classification (germline): Uncertain significance. Review status: criteria provided, multiple submitters, no conflicts (2 of 4 stars). 3 submissions from 3 submitters: Uncertain significance (3). Last evaluated 2025-03-20.

Conditions:
Inborn genetic diseases. Identifiers: MedGen C0950123, MeSH D030342.
Cortical dysplasia-focal epilepsy syndrome (PTHSL1). Also called: Pitt-Hopkins-like syndrome 1. Identifiers: Orphanet 163681, Orphanet 221150, MedGen C2750246, MONDO:0012400, OMIM 610042.

Allele frequency attached by ClinVar (database versions not stated): TOPMed 0.00001.
gnomAD v4.1: 12 of 1,614,046 alleles (0.00074%); highest among the groups gnomAD compares: Admixed American, 0.02%; no homozygotes.

Submissions (3):

GeneDx
Classification: Uncertain significance. Last evaluated: 2025-03-20. Review status: criteria provided, single submitter. Criteria: GeneDx Variant Classification Process June 2021. Collection method: clinical testing. Allele origin: germline. Affected: yes.
Comment: In silico analysis indicates that this missense variant does not alter protein structure/function; Has not been previously published as pathogenic or benign to our knowledge

Labcorp Genetics (formerly Invitae), Labcorp
Classification: Uncertain significance for Cortical dysplasia-focal epilepsy syndrome. Last evaluated: 2022-05-27. Review status: criteria provided, single submitter. Criteria: Invitae Variant Classification Sherloc (09022015). Collection method: clinical testing. Allele origin: germline.
Comment: This sequence change replaces glutamic acid, which is acidic and polar, with glutamine, which is neutral and polar, at codon 1121 of the CNTNAP2 protein (p.Glu1121Gln). This variant is present in population databases (no rsID available, gnomAD 0.03%). This variant has not been reported in the literature in individuals affected with CNTNAP2-related conditions. ClinVar contains an entry for this variant (Variation ID: 205318). Algorithms developed to predict the effect of missense changes on protein structure and function (SIFT, PolyPhen-2, Align-GVGD) all suggest that this variant is likely to be tolerated. In summary, the available evidence is currently insufficient to determine the role of this variant in disease. Therefore, it has been classified as a Variant of Uncertain Significance.

Ambry Genetics
Classification: Uncertain significance for Inborn genetic diseases. Last evaluated: 2016-09-07. Review status: criteria provided, single submitter. Criteria: Ambry Variant Classification Scheme 2023. Collection method: clinical testing. Allele origin: germline.
Comment: The p.E1121Q variant (also known as c.3361G>C), located in coding exon 20 of the CNTNAP2 gene, results from a G to C substitution at nucleotide position 3361. The glutamic acid at codon 1121 is replaced by glutamine, an amino acid with highly similar properties. This variant was not reported in population based cohorts in the following databases: Database of Single Nucleotide Polymorphisms (dbSNP), NHLBI Exome Sequencing Project (ESP), and 1000 Genomes Project. In the ESP, this variant was not observed in 6503 samples (13006 alleles) with coverage at this position. This amino acid position is not well conserved in available vertebrate species. In addition, this alteration is predicted to be tolerated by in silico analysis. Since supporting evidence is limited at this time, the clinical significance of this variant remains unclear.